The following is an entry in ClinVar:

NM_000127.3(EXT1):c.542_543del (p.Leu181fs)

Gene: EXT1 (exostosin glycosyltransferase 1; minus strand). Cytogenetic location: 8q24.11.
Variant type: Microsatellite.
Coding change: c.542_543del on transcript NM_000127.3 (MANE Select); coding-DNA positions 542 to 543, 2 bases deleted (TC; older notation c.542_543delTC).
Protein change: p.Leu181fs; shifts the reading frame from leucine 181.
Molecular consequence: frameshift variant.
Genome position (GRCh38, 1-based): chr8:118,110,504-118,110,505, GA deleted on the plus strand (TC on the coding strand, the reverse complement: EXT1 is on the minus strand); deleting any 2 consecutive bases within chr8:118,110,504-118,110,507 gives the same sequence; the c. name uses the placement nearest the transcript's 3' end. VCF-style (leftmost placement, unchanged base first): chr8-118110503-GGA-G. GRCh37 (hg19) VCF-style: chr8-119122742-GGA-G.
Other names: c.542_543delTC (NM_000127.2); short protein forms L181fs.
Identifiers: ClinVar variation 566357 (VCV000566357.8), dbSNP rs1563659474, ClinGen allele CA891843242.
Genomic context (GRCh38, chr8:118,110,503, plus strand): 5'-CAGGCCAAGTGCCGGAATATAAATTAAAAATTAAATGATTCCTACCATTGTTCCACAAGT[GGA>G]GACTCTGCACTTTGGATCTCAAATTGTGCACATACTGAGGTGACAACTGGTCTCTGTCTA-3'

ClinVar aggregate classification (germline): Pathogenic (1 of 4 stars; one submission).

Conditions:
Multiple congenital exostosis (EXT). Also called: Hereditary multiple osteochondromas; Multiple exostoses; Hereditary multiple exostoses; Hereditary multiple exostosis; Multiple osteochondromas; MULTIPLE CARTILAGINOUS EXOSTOSES. Identifiers: Orphanet 321, MedGen C0015306, MONDO:0005508, HP:0002762.

Submission:

Labcorp Genetics (formerly Invitae), Labcorp
Classification: Pathogenic for Multiple congenital exostosis. Last evaluated: 2018-06-24. Review status: criteria provided, single submitter. Criteria: Invitae Variant Classification Sherloc (09022015). Collection method: clinical testing. Allele origin: germline.
Comment: This variant is not present in population databases (ExAC no frequency). This sequence change creates a premature translational stop signal (p.Leu181Profs*7) in the EXT1 gene. It is expected to result in an absent or disrupted protein product. This variant has not been reported in the literature in individuals with EXT1-related disease. For these reasons, this variant has been classified as Pathogenic. Loss-of-function variants in EXT1 are known to be pathogenic (PMID: 10679937, 11391482, 19810120). A different variant (c.538_539delAG) giving rise to the same protein effect observed here (p.Leu181Profs*7) has been reported in individuals affected with mutliple osterochondromas and multiple exostosis (PMID: 18165274, Invitae), indicating that this residue may be critical for protein function.

Literature cited by the submitters: PubMed 10679937; PubMed 11391482; PubMed 19810120; PubMed 18165274.